The following is an entry in ClinVar:

ClinVar aggregate classification (germline): Uncertain significance (1 of 4 stars; one submission).

Conditions:
Nephronophthisis. Also called: Juvenile Nephronophthisis. Identifiers: Orphanet 655, MedGen C0687120, MONDO:0019005, HP:0000090.

Submission:

Labcorp Genetics (formerly Invitae), Labcorp
Classification: Uncertain significance for Nephronophthisis. Last evaluated: 2021-10-12. Review status: criteria provided, single submitter. Criteria: Invitae Variant Classification Sherloc (09022015). Collection method: clinical testing. Allele origin: germline.
Comment: In summary, the available evidence is currently insufficient to determine the role of this variant in disease. Therefore, it has been classified as a Variant of Uncertain Significance. Algorithms developed to predict the effect of missense changes on protein structure and function (SIFT, PolyPhen-2, Align-GVGD) all suggest that this variant is likely to be disruptive. This variant has not been reported in the literature in individuals affected with NPHP3-related conditions. This variant is not present in population databases (ExAC no frequency). This sequence change replaces glutamic acid with glutamine at codon 1278 of the NPHP3 protein (p.Glu1278Gln). The glutamic acid residue is highly conserved and there is a small physicochemical difference between glutamic acid and glutamine.

NM_153240.5(NPHP3):c.3832G>C (p.Glu1278Gln)

Genes: NPHP3 (nephrocystin 3; minus strand), NPHP3-ACAD11 (NPHP3-ACAD11 readthrough (NMD candidate); minus strand). Cytogenetic location: 3q22.1.
Variant type: single nucleotide variant.
Coding change: c.3832G>C on transcript NM_153240.5 (MANE Select); coding-DNA position 3832, G replaced by C.
Protein change: p.Glu1278Gln; replaces glutamic acid 1278 with glutamine.
Molecular consequence: missense variant. On other transcripts: non-coding transcript variant (1).
Genome position (GRCh38, 1-based): chr3:132,682,071, C>G on the plus strand (G>C on the coding strand, the complement: NPHP3 is on the minus strand). VCF-style: chr3-132682071-C-G. GRCh37 (hg19) VCF-style: chr3-132400915-C-G.
Other names: short protein forms E1278Q.
Identifiers: ClinVar variation 1386294 (VCV001386294.6), dbSNP rs1472447484, ClinGen allele CA354578115.